The following is an entry in ClinVar:

NM_032578.4(MYPN):c.3286-192C>A

Gene: MYPN (myopalladin; plus strand). Cytogenetic location: 10q21.3.
Variant type: single nucleotide variant.
Coding change: c.3286-192C>A on transcript NM_032578.4 (MANE Select); 192 bases into the intron before coding-DNA position 3286, C replaced by A.
Molecular consequence: intron variant.
Genome position (GRCh38, 1-based): chr10:68,199,176, C>A. VCF-style: chr10-68199176-C-A. GRCh37 (hg19) VCF-style: chr10-69958933-C-A.
Other names: c.3286-192C>A (NM_001256267.2); c.2404-192C>A (NM_001256268.2).
Identifiers: ClinVar variation 674352 (VCV000674352.2), dbSNP rs12773106, ClinGen allele CA13158127.

ClinVar aggregate classification (germline): Benign. Review status: criteria provided, multiple submitters, no conflicts (2 of 4 stars). 2 submissions from 2 submitters: Benign (2). Last evaluated 2018-06-16.

Allele frequency attached by ClinVar (database versions not stated): 1000 Genomes Project 30x 0.01483; 1000 Genomes Project 0.01518; TOPMed 0.03439; gnomAD 0.04087 and 0.04243.
gnomAD v4.1: 6,160 of 152,100 alleles (4%); highest among the groups gnomAD compares: Non-Finnish European, 6.5%; 215 homozygotes.

Submissions (2):

GeneDx
Classification: Benign. Last evaluated: 2018-06-16. Review status: criteria provided, single submitter. Criteria: GeneDx Variant Classification (06012015). Collection method: clinical testing. Allele origin: germline. Affected: yes.
Comment: This variant is considered likely benign or benign based on one or more of the following criteria: it is a conservative change, it occurs at a poorly conserved position in the protein, it is predicted to be benign by multiple in silico algorithms, and/or has population frequency not consistent with disease.

Breakthrough Genomics
Classification: Benign. Review status: criteria provided, single submitter. Criteria: ACMG Guidelines, 2015. Collection method: not provided. Allele origin: germline. Inheritance: Autosomal recessive inheritance. Affected: yes.